The following is an entry in ClinVar:

NM_000264.5(PTCH1):c.4308A>G (p.Glu1436=)

Gene: PTCH1 (patched 1; minus strand). Cytogenetic location: 9q22.32.
Variant type: single nucleotide variant.
Coding change: c.4308A>G on transcript NM_000264.5 (MANE Select); coding-DNA position 4308, A replaced by G.
Protein change: p.Glu1436=; no amino-acid change (glutamic acid 1436 retained).
Molecular consequence: synonymous variant. On other transcripts: non-coding transcript variant (1).
Genome position (GRCh38, 1-based): chr9:95,446,948, T>C on the plus strand (A>G on the coding strand, the complement: PTCH1 is on the minus strand). VCF-style: chr9-95446948-T-C. GRCh37 (hg19) VCF-style: chr9-98209230-T-C.
Other names: c.4110A>G, p.Glu1370= (NM_001083602.3); c.4305A>G, p.Glu1435= (NM_001083603.3); c.3855A>G, p.Glu1285= (NM_001083604.3, NM_001083605.3, NM_001083606.3 and 1 more transcripts); c.4152A>G, p.Glu1384= (NM_001354918.2).
Identifiers: ClinVar variation 741186 (VCV000741186.23), dbSNP rs1352453918, ClinGen allele CA466104861.

ClinVar aggregate classification (germline): Likely benign. Review status: criteria provided, multiple submitters, no conflicts (2 of 4 stars). 3 submissions from 3 submitters: Likely benign (3). Last evaluated 2026-01-02.

Conditions:
Gorlin syndrome. Also called: Basal cell nevus syndrome; Nevoid Basal Cell Carcinoma Syndrome. Identifiers: Orphanet 377, MedGen C0004779, MONDO:0007187.
Hereditary cancer-predisposing syndrome. Also called: Hereditary Cancer Syndrome; Neoplastic Syndromes, Hereditary; Hereditary neoplastic syndrome; Tumor predisposition. Identifiers: Orphanet 140162, MedGen C0027672, MeSH D009386, MONDO:0015356.

Allele frequency attached by ClinVar (database versions not stated): gnomAD exomes below 0.00001; TOPMed below 0.00001; gnomAD 0.00001.
gnomAD v4.1: 4 of 1,614,054 alleles (0.00025%); highest among the groups gnomAD compares: Non-Finnish European, 0.00034%; no homozygotes.

Submissions (3):

Labcorp Genetics (formerly Invitae), Labcorp
Classification: Likely benign for Gorlin syndrome. Last evaluated: 2026-01-02. Review status: criteria provided, single submitter. Criteria: Invitae Variant Classification Sherloc (09022015). Collection method: clinical testing. Allele origin: germline.

CeGaT Center for Human Genetics Tuebingen
Classification: Likely benign. Last evaluated: 2025-08-01. Review status: criteria provided, single submitter. Criteria: CeGaT Center For Human Genetics Tuebingen Variant Classification Criteria Version 2. Collection method: clinical testing. Allele origin: germline. Affected: yes. Observed: 1 variant allele.
Comment: PTCH1: BP4, BP7

Ambry Genetics
Classification: Likely benign for Hereditary cancer-predisposing syndrome. Last evaluated: 2019-12-16. Review status: criteria provided, single submitter. Criteria: Ambry Variant Classification Scheme 2023. Collection method: clinical testing. Allele origin: germline.